The following is an entry in ClinVar:

ClinVar aggregate classification (germline): Uncertain significance (1 of 4 stars; one submission).

Conditions:
Galactosylceramide beta-galactosidase deficiency. Also called: GALACTOCEREBROSIDASE DEFICIENCY; GALC DEFICIENCY; GLOBOID CELL LEUKOENCEPHALOPATHY; Leukodystrophy, Globoid Cell; Krabbe Disease. Identifiers: Orphanet 487, MedGen C0023521, MONDO:0009499, OMIM 245200.

Submission:

Foundation for Research in Genetics and Endocrinology, FRIGE's Institute of Human Genetics
Classification: Uncertain significance for Galactosylceramide beta-galactosidase deficiency. Last evaluated: 2026-05-15. Review status: criteria provided, single submitter. Criteria: ACMG Guidelines, 2015. Collection method: clinical testing. Allele origin: germline. Inheritance: Autosomal recessive inheritance. Affected: yes. Observed: 1 variant allele, 1 homozygote.
Comment: A homozygous variant c.95T>C (p.Leu32Pro) in exon 1 of the GALC gene was detected. This variant results in the substitution of leucine by proline at codon 32 of the GALC protein. This variant has not been reported in the 1000 genomes and gnomAD databases. The in-silico prediction of the variant is damaging by FATHMM, Mutation Assessor, Mutation Taster and SIFT. In summary, the variant meets our criteria to be classified as variant of uncertain significance.

NM_000153.4(GALC):c.95T>C (p.Leu32Pro)

Gene: GALC (galactosylceramidase; minus strand). Cytogenetic location: 14q31.3.
Variant type: single nucleotide variant.
Coding change: c.95T>C on transcript NM_000153.4 (MANE Select); coding-DNA position 95, T replaced by C.
Protein change: p.Leu32Pro; replaces leucine 32 with proline.
Molecular consequence: missense variant. On other transcripts: 5 prime UTR variant (3), non-coding transcript variant (1), intron variant (2).
Genome position (GRCh38, 1-based): chr14:87,993,070, A>G on the plus strand (T>C on the coding strand, the complement: GALC is on the minus strand). VCF-style: chr14-87993070-A-G. GRCh37 (hg19) VCF-style: chr14-88459414-A-G.
Other names: p.Leu32Pro; c.95T>C, p.Leu32Pro (NM_001201401.2); c.-176T>C (NM_001424072.1); c.-342T>C (NM_001424075.1); c.-573T>C (NM_001424077.1); c.-473+313T>C (NM_001424076.1); c.117+313T>C (NM_001201402.2); short protein forms L32P.
Identifiers: ClinVar variation 4879982 (VCV004879982.1).
Genomic context (GRCh38, chr14:87,993,070, plus strand): 5'-CCCAGCCCGTCGGAGTCGTCGAGCACGTACGCGCCGCCGGGCGCCAGCAGCGCACACAGC[A>G]GCAAGGGCACCGCGGCGCGGCCCGCCGAACCCGCGGCCGCAGTCATAGCTTTCGCTCGGC-3'
Protein context (NP_000144.2, residues 22-42): GSAGRAAVPL[Leu32Pro]LCALLAPGGA